The following is an entry in ClinVar:

ClinVar aggregate classification (germline): Uncertain significance (1 of 4 stars; one submission).

Conditions:
ALG9-related disorder. Also called: ALG9-related condition.

gnomAD v4.1: 21 of 1,613,944 alleles (0.0013%); highest among the groups gnomAD compares: Non-Finnish European, 0.0016%; no homozygotes.

Submission:

PreventionGenetics, part of Exact Sciences
Classification: Uncertain significance for ALG9-related condition. Last evaluated: 2025-12-08. Review status: criteria provided, single submitter. Criteria: ACMG Guidelines, 2015. Collection method: clinical testing. Allele origin: germline.
Comment: The ALG9 c.1408C>A variant is predicted to result in the amino acid substitution p.Pro470Thr. To our knowledge, this variant has not been reported in the literature. This variant is reported in 0.0099% of alleles in individuals of Ashkenazi Jewish descent in gnomAD. At this time, the clinical significance of this variant is uncertain due to the absence of conclusive functional and genetic evidence.

NM_024740.2(ALG9):c.1408C>A (p.Pro470Thr)

Gene: ALG9 (ALG9 alpha-1,2-mannosyltransferase; minus strand). Cytogenetic location: 11q23.1.
Variant type: single nucleotide variant.
Coding change: c.1408C>A on transcript NM_024740.2 (MANE Select); coding-DNA position 1408, C replaced by A.
Protein change: p.Pro470Thr; replaces proline 470 with threonine.
Molecular consequence: missense variant. On other transcripts: non-coding transcript variant (1).
Genome position (GRCh38, 1-based): chr11:111,837,532, G>T on the plus strand (C>A on the coding strand, the complement: ALG9 is on the minus strand). VCF-style: chr11-111837532-G-T. GRCh37 (hg19) VCF-style: chr11-111708255-G-T.
Other names: c.1387C>A, p.Pro463Thr (NM_001077690.1, NM_001352417.1, NM_001441205.1); c.895C>A, p.Pro299Thr (NM_001077691.2, NM_001352413.1, NM_001352414.2 and 1 more transcripts); c.874C>A, p.Pro292Thr (NM_001077692.2, NM_001352409.1, NM_001352410.1 and 6 more transcripts); c.1264C>A, p.Pro422Thr (NM_001352418.1); c.799C>A, p.Pro267Thr (NM_001352422.2); c.751C>A, p.Pro251Thr (NM_001352423.2); c.1408C>A, p.Pro470Thr (NM_001441203.1, NM_001441204.1); c.1285C>A, p.Pro429Thr (NM_001441206.1); short protein forms P292T, P463T, P470T, P422T, P429T, P299T, P251T, P267T.
Identifiers: ClinVar variation 4990069 (VCV004990069.1).
Genomic context (GRCh38, chr11:111,837,532, plus strand): 5'-CAGGAAGAAGGAAGCTGCTGGGAAATCGATACCACTCTTTTCCCACACAGACATTCACAG[G>T]TCTGCCTTCTGGGACAGTGTGGATGGTTGGGTCTGTAGCAATTCGGTAAAATTCTGGATA-3'
Protein context (NP_079016.2, residues 460-480): PTIHTVPEGR[Pro470Thr]VNVCVGKEWY